The following is an entry in ClinVar:

ClinVar aggregate classification (germline): Likely pathogenic (1 of 4 stars; one submission).

Submission:

Labcorp Genetics (formerly Invitae), Labcorp
Classification: Likely pathogenic. Last evaluated: 2023-02-27. Review status: criteria provided, single submitter. Criteria: Invitae Variant Classification Sherloc (09022015). Collection method: clinical testing. Allele origin: germline.
Comment: In summary, the currently available evidence indicates that the variant is pathogenic, but additional data are needed to prove that conclusively. Therefore, this variant has been classified as Likely Pathogenic. Advanced modeling of protein sequence and biophysical properties (such as structural, functional, and spatial information, amino acid conservation, physicochemical variation, residue mobility, and thermodynamic stability) performed at Invitae indicates that this missense variant is expected to disrupt ABCA4 protein function. ClinVar contains an entry for this variant (Variation ID: 1506256). This missense change has been observed in individual(s) with Stargardt disease (Invitae). This variant is not present in population databases (gnomAD no frequency). This sequence change replaces threonine, which is neutral and polar, with proline, which is neutral and non-polar, at codon 1675 of the ABCA4 protein (p.Thr1675Pro).

NM_000350.3(ABCA4):c.5023A>C (p.Thr1675Pro)

Gene: ABCA4 (ATP binding cassette subfamily A member 4; minus strand). Cytogenetic location: 1p22.1.
Variant type: single nucleotide variant.
Coding change: c.5023A>C on transcript NM_000350.3 (MANE Select); coding-DNA position 5023, A replaced by C.
Protein change: p.Thr1675Pro; replaces threonine 1675 with proline.
Molecular consequence: missense variant.
Genome position (GRCh38, 1-based): chr1:94,019,755, T>G on the plus strand (A>C on the coding strand, the complement: ABCA4 is on the minus strand). VCF-style: chr1-94019755-T-G. GRCh37 (hg19) VCF-style: chr1-94485311-T-G.
Other names: c.4801A>C, p.Thr1601Pro (NM_001425324.1); short protein forms T1675P, T1601P.
Identifiers: ClinVar variation 1506256 (VCV001506256.8), dbSNP rs2101020915, ClinGen allele CA341282870.